The following is an entry in ClinVar:

ClinVar aggregate classification (germline): Uncertain significance. Review status: criteria provided, multiple submitters, no conflicts (2 of 4 stars). 2 submissions from 2 submitters: Uncertain significance (2). Last evaluated 2025-10-01.

Conditions:
Cardiovascular phenotype. Identifiers: MedGen CN230736.

Allele frequency attached by ClinVar (database versions not stated): gnomAD exomes 0.00001; ExAC 0.00002; TOPMed 0.00002; gnomAD 0.00003.
gnomAD v4.1: 18 of 1,614,090 alleles (0.0011%); highest among the groups gnomAD compares: Non-Finnish European, 0.0015%; no homozygotes.

Submissions (2):

Labcorp Genetics (formerly Invitae), Labcorp
Classification: Uncertain significance. Last evaluated: 2025-10-01. Review status: criteria provided, single submitter. Criteria: Invitae Variant Classification Sherloc (09022015). Collection method: clinical testing. Allele origin: germline.
Comment: This sequence change replaces alanine, which is neutral and non-polar, with valine, which is neutral and non-polar, at codon 984 of the ALPK3 protein (p.Ala984Val). This variant is present in population databases (rs751177846, gnomAD 0.002%). This variant has not been reported in the literature in individuals affected with ALPK3-related conditions. ClinVar contains an entry for this variant (Variation ID: 1798062). Invitae Evidence Modeling of protein sequence and biophysical properties (such as structural, functional, and spatial information, amino acid conservation, physicochemical variation, residue mobility, and thermodynamic stability) indicates that this missense variant is expected to disrupt ALPK3 protein function with a positive predictive value of 80%. In summary, the available evidence is currently insufficient to determine the role of this variant in disease. Therefore, it has been classified as a Variant of Uncertain Significance.

Ambry Genetics
Classification: Uncertain significance for Cardiovascular phenotype. Last evaluated: 2022-05-27. Review status: criteria provided, single submitter. Criteria: Ambry Variant Classification Scheme 2023. Collection method: clinical testing. Allele origin: germline.
Comment: The p.A984V variant (also known as c.2951C>T), located in coding exon 6 of the ALPK3 gene, results from a C to T substitution at nucleotide position 2951. The alanine at codon 984 is replaced by valine, an amino acid with similar properties. This amino acid position is conserved. In addition, this alteration is predicted to be tolerated by in silico analysis. Since supporting evidence is limited at this time, the clinical significance of this alteration remains unclear.

NM_020778.5(ALPK3):c.2345C>T (p.Ala782Val)

Gene: ALPK3 (alpha kinase 3; plus strand). Cytogenetic location: 15q25.3.
Variant type: single nucleotide variant.
Coding change: c.2345C>T on transcript NM_020778.5 (MANE Select); coding-DNA position 2345, C replaced by T.
Protein change: p.Ala782Val; replaces alanine 782 with valine.
Molecular consequence: missense variant.
Genome position (GRCh38, 1-based): chr15:84,857,083, C>T. VCF-style: chr15-84857083-C-T. GRCh37 (hg19) VCF-style: chr15-85400314-C-T.
Other names: short protein forms A782V.
Identifiers: ClinVar variation 1798062 (VCV001798062.3), dbSNP rs751177846, ClinGen allele CA7709389.
Genomic context (GRCh38, chr15:84,857,083, plus strand): 5'-GGTCTTGTTTCCCAAAAAAACCTGGTTGCCTGCCCAGATCTGAGGAGGCAGTAGTAACAG[C>T]CTCCAGGAACCATGAGCAAACTGTGCTGGGTCCCCTGTCAGGGAACCTCATGCTCCCAGC-3'
Protein context (NP_065829.4, residues 772-792): LPRSEEAVVT[Ala782Val]SRNHEQTVLG